The following is an entry in ClinVar:

NM_206933.4(USH2A):c.12445T>C (p.Trp4149Arg)

Gene: USH2A (usherin; minus strand). Cytogenetic location: 1q41.
Variant type: single nucleotide variant.
Coding change: c.12445T>C on transcript NM_206933.4 (MANE Select); coding-DNA position 12445, T replaced by C.
Protein change: p.Trp4149Arg; replaces tryptophan 4149 with arginine.
Molecular consequence: missense variant.
Genome position (GRCh38, 1-based): chr1:215,675,466, A>G on the plus strand (T>C on the coding strand, the complement: USH2A is on the minus strand). VCF-style: chr1-215675466-A-G. GRCh37 (hg19) VCF-style: chr1-215848808-A-G.
Other names: short protein forms W4149R.
Identifiers: ClinVar variation 48399 (VCV000048399.37), dbSNP rs115884084, ClinGen allele CA143290.

ClinVar aggregate classification (germline): Benign. Review status: criteria provided, multiple submitters, no conflicts (2 of 4 stars). 11 submissions from 10 submitters: Benign (11). Last evaluated 2026-04-01.

Conditions:
Usher syndrome type 2A. Also called: USHER SYNDROME, TYPE IIA; RETINAL DISEASE IN USHER SYNDROME TYPE IIA, MODIFIER OF. Identifiers: Orphanet 231178, Orphanet 886, MedGen C1848634, MONDO:0010169, OMIM 276901.
Retinitis pigmentosa 39 (RP39). Identifiers: Orphanet 791, MedGen C3151138, MONDO:0013436, OMIM 613809.

Allele frequency attached by ClinVar (database versions not stated): gnomAD 0.00890 and 0.00956; ESP Exome Variant Server 0.00892; TOPMed 0.00971; 1000 Genomes Project 0.01038; 1000 Genomes Project 30x 0.01124; gnomAD exomes 0.00091 and 0.00226; ExAC 0.00260.
gnomAD v4.1: 2,757 of 1,614,074 alleles (0.17%); highest among the groups gnomAD compares: African/African-American, 3.1%; 44 homozygotes.

Submissions (11):

CeGaT Center for Human Genetics Tuebingen
Classification: Benign. Last evaluated: 2026-04-01. Review status: criteria provided, single submitter. Criteria: CeGaT Center For Human Genetics Tuebingen Variant Classification Criteria Version 2. Collection method: clinical testing. Allele origin: germline. Affected: yes. Observed: 3 variant alleles.
Comment: USH2A: BP4, BS1, BS2

Labcorp Genetics (formerly Invitae), Labcorp
Classification: Benign. Last evaluated: 2026-02-04. Review status: criteria provided, single submitter. Criteria: Invitae Variant Classification Sherloc (09022015). Collection method: clinical testing. Allele origin: germline.

ARUP Laboratories, Molecular Genetics and Genomics, ARUP Laboratories
Classification: Benign. Last evaluated: 2023-11-22. Review status: criteria provided, single submitter. Criteria: ARUP Molecular Germline Variant Investigation Process 2024. Collection method: clinical testing. Allele origin: germline.

Genome-Nilou Lab
Classification: Benign for Retinitis pigmentosa 39. Last evaluated: 2023-11-04. Review status: criteria provided, single submitter. Criteria: ACMG Guidelines, 2015. Collection method: clinical testing. Allele origin: germline. Affected: no.

Genome-Nilou Lab
Classification: Benign for Usher syndrome type 2A. Last evaluated: 2023-11-04. Review status: criteria provided, single submitter. Criteria: ACMG Guidelines, 2015. Collection method: clinical testing. Allele origin: germline. Affected: no.

Women's Health and Genetics/Laboratory Corporation of America, LabCorp
Classification: Benign. Last evaluated: 2022-03-05. Review status: criteria provided, single submitter. Criteria: LabCorp Variant Classification Summary - May 2015. Collection method: clinical testing. Allele origin: germline.
Comment: Variant summary: USH2A c.12445T>C (p.Trp4149Arg) results in a non-conservative amino acid change in the encoded protein sequence. Four of five in-silico tools predict a benign effect of the variant on protein function. The variant allele was found at a frequency of 0.0023 in 250364 control chromosomes, predominantly at a frequency of 0.03 within the African or African-American subpopulation in the gnomAD database, including 7 homozygotes. The observed variant frequency within African or African-American control individuals in the gnomAD database is approximately 2.7 fold of the estimated maximal expected allele frequency for a pathogenic variant in USH2A causing Usher Syndrome phenotype (0.011), strongly suggesting that the variant is a benign polymorphism found primarily in populations of African or African-American origin. Although reported in the literature, to our knowledge, no penetrant association of c.12445T>C in individuals affected with Usher Syndrome and no experimental evidence demonstrating its impact on protein function have been reported. Four clinical diagnostic laboratories have submitted clinical-significance assessments for this variant to ClinVar after 2014 without evidence for independent evaluation. All laboratories classified the variant as benign/likely benign. Based on the evidence outlined above, the variant was classified as benign.

Center for Pediatric Genomic Medicine, Children's Mercy Hospital and Clinics
Classification: Benign. Last evaluated: 2017-04-11. Review status: criteria provided, single submitter. Criteria: ACMG Guidelines, 2015. Collection method: clinical testing. Allele origin: germline.

Eurofins Ntd Llc (ga)
Classification: Benign. Last evaluated: 2016-04-14. Review status: criteria provided, single submitter. Criteria: EGL Classification Definitions 2015. Collection method: clinical testing. Allele origin: germline. Observed: 1 variant allele, 1 heterozygote.

GeneDx
Classification: Benign. Last evaluated: 2015-03-03. Review status: criteria provided, single submitter. Criteria: GeneDx Variant Classification Process June 2021. Collection method: clinical testing. Allele origin: germline. Affected: yes.
Comment: This variant is associated with the following publications: (PMID: 27884173, 18723146, 22139616, 25262649)

Laboratory for Molecular Medicine, Mass General Brigham Personalized Medicine
Classification: Benign. Last evaluated: 2012-05-07. Review status: criteria provided, single submitter. Criteria: LMM Criteria. Collection method: clinical testing. Allele origin: germline. Observed: 10 variant alleles.
Comment: Trp4149Arg in Exon 63 of USH2A: This variant is not expected to have clinical si gnificance because it has been identified in 2.7% (100/3738) of African American chromosomes from a broad population by the NHLBI Exome Sequencing Project (dbSNP rs115884084).

Breakthrough Genomics
Classification: Benign. Review status: criteria provided, single submitter. Criteria: ACMG Guidelines, 2015. Collection method: not provided. Allele origin: germline. Inheritance: Autosomal recessive inheritance. Affected: yes.